The following is an entry in ClinVar:

ClinVar aggregate classification (germline): Uncertain significance (1 of 4 stars; one submission).

Allele frequency attached by ClinVar (database versions not stated): TOPMed below 0.00001; gnomAD 0.00001; gnomAD exomes 0.00001.
gnomAD v4.1: 7 of 1,259,250 alleles (0.00056%); highest among the groups gnomAD compares: Non-Finnish European, 0.0007%; no homozygotes.

Submission:

Labcorp Genetics (formerly Invitae), Labcorp
Classification: Uncertain significance. Last evaluated: 2020-12-29. Review status: criteria provided, single submitter. Criteria: Invitae Variant Classification Sherloc (09022015). Collection method: clinical testing. Allele origin: germline.
Comment: This variant has not been reported in the literature in individuals with LRRK1-related conditions. In summary, the available evidence is currently insufficient to determine the role of this variant in disease. Therefore, it has been classified as a Variant of Uncertain Significance. Algorithms developed to predict the effect of missense changes on protein structure and function (SIFT, PolyPhen-2, Align-GVGD) all suggest that this variant is likely to be tolerated, but these predictions have not been confirmed by published functional studies and their clinical significance is uncertain. The frequency data for this variant in the population databases is considered unreliable, as metrics indicate insufficient coverage at this position in the ExAC database. This sequence change replaces aspartic acid with glycine at codon 79 of the LRRK1 protein (p.Asp79Gly). The aspartic acid residue is weakly conserved and there is a moderate physicochemical difference between aspartic acid and glycine.

NM_024652.6(LRRK1):c.236A>G (p.Asp79Gly)

Gene: LRRK1 (leucine rich repeat kinase 1; plus strand). Cytogenetic location: 15q26.3.
Variant type: single nucleotide variant.
Coding change: c.236A>G on transcript NM_024652.6 (MANE Select); coding-DNA position 236, A replaced by G.
Protein change: p.Asp79Gly; replaces aspartic acid 79 with glycine.
Molecular consequence: missense variant.
Genome position (GRCh38, 1-based): chr15:100,973,942, A>G. VCF-style: chr15-100973942-A-G. GRCh37 (hg19) VCF-style: chr15-101514147-A-G.
Other names: short protein forms D79G.
Identifiers: ClinVar variation 1360302 (VCV001360302.8), dbSNP rs1249255322, ClinGen allele CA393950145.
Genomic context (GRCh38, chr15:100,973,942, plus strand): 5'-GCGCCGCGTACAGGCGGGGAGACCGCGGCGGCGCCCGGGACCTGCTGGAGGAGGCCTGCG[A>G]CCAGTGCGCGTCCCAGCTGGAAAAGGTAGGGGAGCGCCTGCCCCTGCGGCCACCCATGCA-3'
Protein context (NP_078928.3, residues 69-89): GARDLLEEAC[Asp79Gly]QCASQLEKGQ